The following is an entry in ClinVar:

NM_001101.5(ACTB):c.984+39G>A

Gene: ACTB (actin beta; minus strand). Cytogenetic location: 7p22.1.
Variant type: single nucleotide variant.
Coding change: c.984+39G>A on transcript NM_001101.5 (MANE Select); 39 bases into the intron after coding-DNA position 984, G replaced by A.
Molecular consequence: intron variant.
Genome position (GRCh38, 1-based): chr7:5,527,965, C>T on the plus strand (G>A on the coding strand, the complement: ACTB is on the minus strand). VCF-style: chr7-5527965-C-T. GRCh37 (hg19) VCF-style: chr7-5567596-C-T.
Other names: c.984+39G>A (LRG_132t1).
Identifiers: ClinVar variation 561391 (VCV000561391.4), dbSNP rs852424, ClinGen allele CA4146875.

ClinVar aggregate classification (germline): Benign. Review status: criteria provided, multiple submitters, no conflicts (2 of 4 stars). 3 submissions from 2 submitters: Benign (3). Last evaluated 2021-07-14.

Conditions:
Baraitser-Winter syndrome 1 (BRWS1). Also called: Cerebrofrontofacial syndrome; PACHYGYRIA, MENTAL RETARDATION, EPILEPSY, AND CHARACTERISTIC FACIES; MENTAL RETARDATION WITH EPILEPSY AND CHARACTERISTIC FACIES; BARAITSER-WINTER SYNDROME 1, ATYPICAL. Identifiers: Orphanet 2649, Orphanet 2995, MedGen C1855722, MONDO:0009470, OMIM 243310.
Developmental malformations-deafness-dystonia syndrome (DDS1). Identifiers: Orphanet 79107, MedGen C5848323, MONDO:0011823, OMIM 607371.

Allele frequency attached by ClinVar (database versions not stated): 1000 Genomes Project 0.29213; 1000 Genomes Project 30x 0.29403; ExAC 0.32465; TOPMed 0.33629; gnomAD 0.33749 and 0.34158; ESP Exome Variant Server 0.33969.
gnomAD v4.1: 532,770 of 1,613,302 alleles (33%); highest among the groups gnomAD compares: African/African-American, 36%; 89,291 homozygotes.

Submissions (3):

Genome-Nilou Lab
Classification: Benign for Developmental malformations-deafness-dystonia syndrome. Last evaluated: 2021-07-14. Review status: criteria provided, single submitter. Criteria: ACMG Guidelines, 2015. Collection method: clinical testing. Allele origin: germline. Affected: no.

Genome-Nilou Lab
Classification: Benign for Baraitser-Winter syndrome 1. Last evaluated: 2021-07-14. Review status: criteria provided, single submitter. Criteria: ACMG Guidelines, 2015. Collection method: clinical testing. Allele origin: germline. Affected: no.

GeneDx
Classification: Benign. Last evaluated: 2018-06-14. Review status: criteria provided, single submitter. Criteria: GeneDx Variant Classification (06012015). Collection method: clinical testing. Allele origin: germline. Affected: yes.
Comment: This variant is considered likely benign or benign based on one or more of the following criteria: it is a conservative change, it occurs at a poorly conserved position in the protein, it is predicted to be benign by multiple in silico algorithms, and/or has population frequency not consistent with disease.